The following is an entry in ClinVar:

ClinVar aggregate classification (germline): Uncertain significance (0 of 4 stars; one submission).

Conditions:
L1CAM-related disorder. Also called: L1CAM-related condition.

Submission:

PreventionGenetics, part of Exact Sciences
Classification: Uncertain significance for L1CAM-related condition. Last evaluated: 2024-03-20. Review status: no assertion criteria provided. Collection method: clinical testing. Allele origin: germline.
Comment: The L1CAM c.491C>T variant is predicted to result in the amino acid substitution p.Ala164Val. To our knowledge, this variant has not been reported in the literature or in a large population database, indicating this variant is rare. At this time, the clinical significance of this variant is uncertain due to the absence of conclusive functional and genetic evidence.

NM_001278116.2(L1CAM):c.491C>T (p.Ala164Val)

Gene: L1CAM (L1 cell adhesion molecule; minus strand). Cytogenetic location: Xq28.
Variant type: single nucleotide variant.
Coding change: c.491C>T on transcript NM_001278116.2 (MANE Select); coding-DNA position 491, C replaced by T.
Protein change: p.Ala164Val; replaces alanine 164 with valine.
Molecular consequence: missense variant.
Genome position (GRCh38, 1-based): chrX:153,871,089, G>A on the plus strand (C>T on the coding strand, the complement: L1CAM is on the minus strand). VCF-style: chrX-153871089-G-A. GRCh37 (hg19) VCF-style: chrX-153136544-G-A.
Other names: c.491C>T, p.Ala164Val (NM_000425.5, NM_024003.3); c.476C>T, p.Ala159Val (NM_001143963.2); short protein forms A159V, A164V.
Identifiers: ClinVar variation 3349869 (VCV003349869.1).